The following is an entry in ClinVar:

ClinVar aggregate classification (germline): Benign. Review status: criteria provided, multiple submitters, no conflicts (2 of 4 stars). 3 submissions from 2 submitters: Benign (3). Last evaluated 2018-01-12.

Conditions:
Optic atrophy 3 (OPA3). Also called: OPTIC ATROPHY 3, AUTOSOMAL DOMINANT; Optic atrophy, cataract, and neurologic disorder; Optic atrophy 3 with cataract. Identifiers: Orphanet 67036, MedGen C1833809, MONDO:0008133, OMIM 165300.
3-Methylglutaconic aciduria type 3 (MGCA3). Also called: OPA3, AUTOSOMAL RECESSIVE; OPTIC ATROPHY 3, AUTOSOMAL RECESSIVE; Costeff Syndrome; OPA3-Related 3-Methylglutaconic Aciduria. Identifiers: Orphanet 67047, MedGen C0574084, MONDO:0009787, OMIM 258501.

Allele frequency attached by ClinVar (database versions not stated): gnomAD exomes 0.03441; gnomAD 0.06091 and 0.06291; TOPMed 0.06831; 1000 Genomes Project 0.09265; 1000 Genomes Project 30x 0.09400.
gnomAD v4.1: 31,703 of 789,788 alleles (4%); highest among the groups gnomAD compares: East Asian, 12%; 905 homozygotes.

Submissions (3):

Illumina Laboratory Services, Illumina
Classification: Benign for 3-Methylglutaconic aciduria type 3. Last evaluated: 2018-01-12. Review status: criteria provided, single submitter. Criteria: ICSL Variant Classification Criteria 13 December 2019. Collection method: clinical testing. Allele origin: germline.
Comment: This variant was observed in the ICSL laboratory as part of a predisposition screen in an ostensibly healthy population. It had not been previously curated by ICSL or reported in the Human Gene Mutation Database (HGMD: prior to June 1st, 2018), and was therefore a candidate for classification through an automated scoring system. Utilizing variant allele frequency, disease prevalence and penetrance estimates, and inheritance mode, an automated score was calculated to assess if this variant is too frequent to cause the disease. Based on the score and internal cut-off values, a variant classified as benign is not then subjected to further curation. The score for this variant resulted in a classification of benign for this disease.

Illumina Laboratory Services, Illumina
Classification: Benign for Optic atrophy 3. Last evaluated: 2018-01-12. Review status: criteria provided, single submitter. Criteria: ICSL Variant Classification Criteria 13 December 2019. Collection method: clinical testing. Allele origin: germline.
Comment: the same text as in the submission from Illumina Laboratory Services, Illumina above.

Breakthrough Genomics
Classification: Benign. Review status: criteria provided, single submitter. Criteria: ACMG Guidelines, 2015. Collection method: not provided. Allele origin: germline. Inheritance: Autosomal recessive inheritance. Affected: yes.

NM_025136.4(OPA3):c.*3878A>G

Genes: OPA3 (outer mitochondrial membrane lipid metabolism regulator OPA3; minus strand), OPA3-RTN2 (OPA3-RTN2 readthrough; minus strand). Cytogenetic location: 19q13.32.
Variant type: single nucleotide variant.
Coding change: c.*3878A>G on transcript NM_025136.4 (MANE Select); 3878 bases downstream of the stop codon, A replaced by G.
Molecular consequence: 3 prime UTR variant. On other transcripts: intron variant (1).
Genome position (GRCh38, 1-based): chr19:45,549,636, T>C on the plus strand (A>G on the coding strand, the complement: OPA3 is on the minus strand). VCF-style: chr19-45549636-T-C. GRCh37 (hg19) VCF-style: chr19-46052894-T-C.
Other names: c.143-20180A>G (NM_001017989.3).
Identifiers: ClinVar variation 329616 (VCV000329616.6), dbSNP rs79660166, ClinGen allele CA10652572.